The following is an entry in ClinVar:

ClinVar aggregate classification (germline): Uncertain significance (1 of 4 stars; one submission).

Conditions:
Early-infantile DEE. Also called: Early infantile epileptic encephalopathy with suppression bursts; Early infantile epileptic encephalopathy; Ohtahara syndrome. Identifiers: Orphanet 1934, MedGen C0393706, MONDO:0800491.

Submission:

Labcorp Genetics (formerly Invitae), Labcorp
Classification: Uncertain significance for Early-infantile DEE. Last evaluated: 2025-02-23. Review status: criteria provided, single submitter. Criteria: Invitae Variant Classification Sherloc (09022015). Collection method: clinical testing. Allele origin: germline.
Comment: This variant, c.192_212dup, results in the insertion of 7 amino acid(s) of the HCN1 protein (p.Gly68_Gly74dup), but otherwise preserves the integrity of the reading frame. This variant is not present in population databases (gnomAD no frequency). This variant has not been reported in the literature in individuals affected with HCN1-related conditions. In summary, the available evidence is currently insufficient to determine the role of this variant in disease. Therefore, it has been classified as a Variant of Uncertain Significance.

NM_021072.4(HCN1):c.192_212dup (p.Gly74_Glu75insGlyGlyGlyGlyGlyGlyGly)

Gene: HCN1 (hyperpolarization activated cyclic nucleotide gated potassium channel 1; minus strand). Cytogenetic location: 5p12.
Variant type: Duplication.
Coding change: c.192_212dup on transcript NM_021072.4 (MANE Select); coding-DNA positions 192 to 212, 21 bases duplicated (TGGCGGCGGTGGCGGCGGCGG).
Protein change: p.Gly74_Glu75insGlyGlyGlyGlyGlyGlyGly.
Genome position (GRCh38, 1-based): chr5:45,695,882-45,695,902, CCGCCGCCGCCACCGCCGCCA duplicated on the plus strand (TGGCGGCGGTGGCGGCGGCGG on the coding strand, the reverse complement: HCN1 is on the minus strand); duplicating any 21 consecutive bases within chr5:45,695,882-45,695,908 gives the same sequence; the c. name uses the placement nearest the transcript's 3' end. VCF-style (leftmost placement, unchanged base first): chr5-45695881-G-GCCGCCGCCGCCACCGCCGCCA. GRCh37 (hg19) VCF-style: chr5-45695983-G-GCCGCCGCCGCCACCGCCGCCA.
Identifiers: ClinVar variation 3697102 (VCV003697102.2).